The following is an entry in ClinVar:

NM_058004.4(PI4KA):c.2633T>C (p.Val878Ala)

Gene: PI4KA (phosphatidylinositol 4-kinase alpha; minus strand). Cytogenetic location: 22q11.21.
Variant type: single nucleotide variant.
Coding change: c.2633T>C on transcript NM_058004.4 (MANE Select); coding-DNA position 2633, T replaced by C.
Protein change: p.Val878Ala; replaces valine 878 with alanine.
Molecular consequence: missense variant.
Genome position (GRCh38, 1-based): chr22:20,764,892, A>G on the plus strand (T>C on the coding strand, the complement: PI4KA is on the minus strand). VCF-style: chr22-20764892-A-G. GRCh37 (hg19) VCF-style: chr22-21119180-A-G.
Other names: c.2633T>C, p.Val878Ala (NM_001362862.2); c.2567T>C, p.Val856Ala (NM_001362863.2); short protein forms V856A, V878A.
Identifiers: ClinVar variation 2500537 (VCV002500537.1), dbSNP rs2518156387, ClinGen allele CA410766765.

ClinVar aggregate classification (germline): Uncertain significance (1 of 4 stars; one submission).

Submission:

GeneDx
Classification: Uncertain significance. Last evaluated: 2022-10-27. Review status: criteria provided, single submitter. Criteria: GeneDx Variant Classification Process June 2021. Collection method: clinical testing. Allele origin: germline. Affected: yes.
Comment: Not observed at significant frequency in large population cohorts (gnomAD); In silico analysis supports that this missense variant has a deleterious effect on protein structure/function; Has not been previously published as pathogenic or benign to our knowledge